The following is an entry in ClinVar:

NM_014049.5(ACAD9):c.220G>A (p.Val74Met)

Gene: ACAD9 (acyl-CoA dehydrogenase family member 9; plus strand). Cytogenetic location: 3q21.3.
Variant type: single nucleotide variant.
Coding change: c.220G>A on transcript NM_014049.5 (MANE Select); coding-DNA position 220, G replaced by A.
Protein change: p.Val74Met; replaces valine 74 with methionine.
Molecular consequence: missense variant. On other transcripts: non-coding transcript variant (1).
Genome position (GRCh38, 1-based): chr3:128,884,722, G>A. VCF-style: chr3-128884722-G-A. GRCh37 (hg19) VCF-style: chr3-128603565-G-A.
Other names: short protein forms V74M.
Identifiers: ClinVar variation 1031234 (VCV001031234.6), dbSNP rs779258809, ClinGen allele CA2601077.
Genomic context (GRCh38, chr3:128,884,722, plus strand): 5'-TTCCCATTTCCAGAAGTTAGCCAAGATGAACTTAATGAAATCAATCAGTTCTTGGGACCC[G>A]TGGAAAAATTCTTCACTGAAGAGGGTATGTATGGTTTTCTTTACCATTGCCGATTTCCAT-3'
Protein context (NP_054768.2, residues 64-84): LNEINQFLGP[Val74Met]EKFFTEEVDS

ClinVar aggregate classification (germline): Uncertain significance. Review status: criteria provided, multiple submitters, no conflicts (2 of 4 stars). 4 submissions from 4 submitters: Uncertain significance (4). Last evaluated 2025-01-23.

Conditions:
Inborn genetic diseases. Identifiers: MedGen C0950123, MeSH D030342.
Acyl-CoA dehydrogenase 9 deficiency. Also called: Acyl-CoA dehydrogenase family, member 9, deficiency of; MITOCHONDRIAL COMPLEX I DEFICIENCY, NUCLEAR TYPE 20. Identifiers: Orphanet 99901, MedGen C4747517, MONDO:0012624, OMIM 611126.

Allele frequency attached by ClinVar (database versions not stated): gnomAD 0.00001; gnomAD exomes 0.00002 and 0.00004; TOPMed 0.00002; ExAC 0.00003.
gnomAD v4.1: 26 of 1,613,298 alleles (0.0016%); highest among the groups gnomAD compares: East Asian, 0.011%; no homozygotes.

Submissions (4):

Labcorp Genetics (formerly Invitae), Labcorp
Classification: Uncertain significance. Last evaluated: 2025-01-23. Review status: criteria provided, single submitter. Criteria: Invitae Variant Classification Sherloc (09022015). Collection method: clinical testing. Allele origin: germline.
Comment: This sequence change replaces valine, which is neutral and non-polar, with methionine, which is neutral and non-polar, at codon 74 of the ACAD9 protein (p.Val74Met). This variant is present in population databases (rs779258809, gnomAD 0.02%). This variant has not been reported in the literature in individuals affected with ACAD9-related conditions. ClinVar contains an entry for this variant (Variation ID: 1031234). Invitae Evidence Modeling of protein sequence and biophysical properties (such as structural, functional, and spatial information, amino acid conservation, physicochemical variation, residue mobility, and thermodynamic stability) indicates that this missense variant is not expected to disrupt ACAD9 protein function with a negative predictive value of 80%. In summary, the available evidence is currently insufficient to determine the role of this variant in disease. Therefore, it has been classified as a Variant of Uncertain Significance.

GeneDx
Classification: Uncertain significance. Last evaluated: 2024-11-22. Review status: criteria provided, single submitter. Criteria: GeneDx Variant Classification Process June 2021. Collection method: clinical testing. Allele origin: germline. Affected: yes.
Comment: In silico analysis indicates that this missense variant does not alter protein structure/function; Has not been previously published as pathogenic or benign to our knowledge

Ambry Genetics
Classification: Uncertain significance for Inborn genetic diseases. Last evaluated: 2021-03-30. Review status: criteria provided, single submitter. Criteria: Ambry Variant Classification Scheme 2023. Collection method: clinical testing. Allele origin: germline.
Comment: The c.220G>A (p.V74M) alteration is located in exon 2 (coding exon 2) of the ACAD9 gene. This alteration results from a G to A substitution at nucleotide position 220, causing the valine (V) at amino acid position 74 to be replaced by a methionine (M). The in silico prediction for the p.V74M alteration is inconclusive. Based on insufficient or conflicting evidence, the clinical significance of this alteration remains unclear.

Baylor Genetics
Classification: Uncertain significance for Acyl-CoA dehydrogenase 9 deficiency. Last evaluated: 2019-08-15. Review status: criteria provided, single submitter. Criteria: ACMG Guidelines, 2015. Collection method: clinical testing. Allele origin: unknown. Affected: yes.
Comment: This variant was determined to be of uncertain significance according to ACMG Guidelines, 2015 [PMID:25741868].